The following is an entry in ClinVar:

NM_004974.4(KCNA2):c.790A>G (p.Ile264Val)

Gene: KCNA2 (potassium voltage-gated channel subfamily A member 2; minus strand). Cytogenetic location: 1p13.3.
Variant type: single nucleotide variant.
Coding change: c.790A>G on transcript NM_004974.4 (MANE Select); coding-DNA position 790, A replaced by G.
Protein change: p.Ile264Val; replaces isoleucine 264 with valine.
Molecular consequence: missense variant.
Genome position (GRCh38, 1-based): chr1:110,603,993, T>C on the plus strand (A>G on the coding strand, the complement: KCNA2 is on the minus strand). VCF-style: chr1-110603993-T-C. GRCh37 (hg19) VCF-style: chr1-111146615-T-C.
Other names: c.790A>G, p.Ile264Val (NM_001204269.2); short protein forms I264V.
Identifiers: ClinVar variation 3714537 (VCV003714537.2).

ClinVar aggregate classification (germline): Uncertain significance (1 of 4 stars; one submission).

Conditions:
Developmental and epileptic encephalopathy, 32 (DEE32). Also called: Epileptic encephalopathy, early infantile, 32. Identifiers: Orphanet 442835, MedGen C4225350, MONDO:0014607, OMIM 616366.

Submission:

Labcorp Genetics (formerly Invitae), Labcorp
Classification: Uncertain significance for Developmental and epileptic encephalopathy, 32. Last evaluated: 2024-10-30. Review status: criteria provided, single submitter. Criteria: Invitae Variant Classification Sherloc (09022015). Collection method: clinical testing. Allele origin: germline.
Comment: This sequence change replaces isoleucine, which is neutral and non-polar, with valine, which is neutral and non-polar, at codon 264 of the KCNA2 protein (p.Ile264Val). This variant is not present in population databases (gnomAD no frequency). This variant has not been reported in the literature in individuals affected with KCNA2-related conditions. Invitae Evidence Modeling of protein sequence and biophysical properties (such as structural, functional, and spatial information, amino acid conservation, physicochemical variation, residue mobility, and thermodynamic stability) indicates that this missense variant is not expected to disrupt KCNA2 protein function with a negative predictive value of 95%. In summary, the available evidence is currently insufficient to determine the role of this variant in disease. Therefore, it has been classified as a Variant of Uncertain Significance.